The following is an entry in ClinVar:

NM_001365951.3(KIF1B):c.130A>G (p.Lys44Glu)

Gene: KIF1B (kinesin family member 1B; plus strand). Cytogenetic location: 1p36.22.
Variant type: single nucleotide variant.
Coding change: c.130A>G on transcript NM_001365951.3 (MANE Select); coding-DNA position 130, A replaced by G.
Protein change: p.Lys44Glu; replaces lysine 44 with glutamic acid.
Molecular consequence: missense variant.
Genome position (GRCh38, 1-based): chr1:10,256,270, A>G. VCF-style: chr1-10256270-A-G. GRCh37 (hg19) VCF-style: chr1-10316328-A-G.
Other names: c.130A>G, p.Lys44Glu (NM_001365952.1, NM_001365953.1, NM_015074.3 and 1 more transcripts); short protein forms K44E.
Identifiers: ClinVar variation 4043163 (VCV004043163.1).

ClinVar aggregate classification (germline): Uncertain significance (1 of 4 stars; one submission).

Submission:

Ambry Genetics
Classification: Uncertain significance. Last evaluated: 2025-06-02. Review status: criteria provided, single submitter. Criteria: Ambry Variant Classification Scheme 2023. Collection method: clinical testing. Allele origin: germline.
Comment: The p.K44E variant (also known as c.130A>G), located in coding exon 2 of the KIF1B gene, results from an A to G substitution at nucleotide position 130. The lysine at codon 44 is replaced by glutamic acid, an amino acid with similar properties. This amino acid position is conserved. In addition, the in silico prediction for this alteration is inconclusive. Based on the available evidence, the clinical significance of this variant remains unclear.